The following is an entry in ClinVar:

ClinVar aggregate classification (germline): Benign (1 of 4 stars; one submission).

Conditions:
Emery-Dreifuss muscular dystrophy 5, autosomal dominant (EDMD5). Also called: EMERY-DREIFUSS MUSCULAR DYSTROPHY 5. Identifiers: Orphanet 261, MedGen C2751805, MONDO:0013072, OMIM 612999.

Allele frequency attached by ClinVar (database versions not stated): gnomAD exomes 0.00001 and 0.00002; gnomAD 0.00002; TOPMed 0.00002; ExAC 0.00004.
gnomAD v4.1: 22 of 1,613,862 alleles (0.0014%); highest among the groups gnomAD compares: South Asian, 0.0066%; no homozygotes.

Submission:

Illumina Laboratory Services, Illumina
Classification: Benign for Emery-Dreifuss muscular dystrophy 5, autosomal dominant. Last evaluated: 2018-01-13. Review status: criteria provided, single submitter. Criteria: ICSL Variant Classification Criteria 13 December 2019. Collection method: clinical testing. Allele origin: germline.
Comment: This variant was observed in the ICSL laboratory as part of a predisposition screen in an ostensibly healthy population. It had not been previously curated by ICSL or reported in the Human Gene Mutation Database (HGMD: prior to June 1st, 2018), and was therefore a candidate for classification through an automated scoring system. Utilizing variant allele frequency, disease prevalence and penetrance estimates, and inheritance mode, an automated score was calculated to assess if this variant is too frequent to cause the disease. Based on the score and internal cut-off values, a variant classified as benign is not then subjected to further curation. The score for this variant resulted in a classification of benign for this disease.

NM_182914.3(SYNE2):c.15252C>T (p.Ser5084=)

Gene: SYNE2 (spectrin repeat containing nuclear envelope protein 2; plus strand). Cytogenetic location: 14q23.2.
Variant type: single nucleotide variant.
Coding change: c.15252C>T on transcript NM_182914.3 (MANE Select); coding-DNA position 15252, C replaced by T.
Protein change: p.Ser5084=; no amino-acid change (serine 5084 retained).
Molecular consequence: synonymous variant.
Genome position (GRCh38, 1-based): chr14:64,142,034, C>T. VCF-style: chr14-64142034-C-T. GRCh37 (hg19) VCF-style: chr14-64608752-C-T.
Other names: c.15252C>T, p.Ser5084= (NM_015180.6).
Identifiers: ClinVar variation 313606 (VCV000313606.5), dbSNP rs757659613, ClinGen allele CA7223028.